The following is an entry in ClinVar:

ClinVar aggregate classification (germline): Uncertain significance. Review status: criteria provided, multiple submitters, no conflicts (2 of 4 stars). 4 submissions from 4 submitters: Uncertain significance (3). 1 of the submissions does not count toward it. Last evaluated 2026-01-12.

Conditions:
Usher syndrome type 1B (USH1B). Also called: Usher syndrome type IB. Identifiers: MedGen C1848638, MONDO:0700087.

Allele frequency attached by ClinVar (database versions not stated): gnomAD 0.00001 and 0.00002; gnomAD exomes 0.00002 and 0.00003; TOPMed 0.00002; ExAC 0.00006; 1000 Genomes Project 0.00040; 1000 Genomes Project 30x 0.00062.
gnomAD v4.1: 26 of 1,583,654 alleles (0.0016%); highest among the groups gnomAD compares: Admixed American, 0.016%; no homozygotes.

Submissions (4):

Labcorp Genetics (formerly Invitae), Labcorp
Classification: Uncertain significance. Last evaluated: 2026-01-12. Review status: criteria provided, single submitter. Criteria: Invitae Variant Classification Sherloc (09022015). Collection method: clinical testing. Allele origin: germline.
Comment: This sequence change replaces threonine, which is neutral and polar, with methionine, which is neutral and non-polar, at codon 2001 of the MYO7A protein (p.Thr2001Met). The frequency data for this variant in the population databases is considered unreliable, as metrics indicate poor data quality at this position in the gnomAD database. This missense change has been observed in individual(s) with clinical features of MYO7A-related conditions (internal data). ClinVar contains an entry for this variant (Variation ID: 426485). Invitae Evidence Modeling of protein sequence and biophysical properties (such as structural, functional, and spatial information, amino acid conservation, physicochemical variation, residue mobility, and thermodynamic stability) indicates that this missense variant is not expected to disrupt MYO7A protein function with a negative predictive value of 95%. In summary, the available evidence is currently insufficient to determine the role of this variant in disease. Therefore, it has been classified as a Variant of Uncertain Significance.

GeneDx
Classification: Uncertain significance. Last evaluated: 2024-12-02. Review status: criteria provided, single submitter. Criteria: GeneDx Variant Classification Process June 2021. Collection method: clinical testing. Allele origin: germline. Affected: yes.
Comment: In silico analysis supports that this missense variant has a deleterious effect on protein structure/function; This variant is associated with the following publications: (PMID: 33528103)

Blueprint Genetics
Classification: Uncertain significance. Last evaluated: 2022-03-15. Review status: criteria provided, single submitter. Criteria: ACMG Guidelines, 2015. Collection method: clinical testing. Allele origin: germline.

Natera, Inc.
Classification: Uncertain significance for Usher syndrome type 1B. Last evaluated: 2020-04-17. Review status: no assertion criteria provided. Collection method: clinical testing. Allele origin: germline. Not counted in ClinVar's aggregate classification.

NM_000260.4(MYO7A):c.6002C>T (p.Thr2001Met)

Gene: MYO7A (myosin VIIA; plus strand). Cytogenetic location: 11q13.5.
Variant type: single nucleotide variant.
Coding change: c.6002C>T on transcript NM_000260.4 (MANE Select); coding-DNA position 6002, C replaced by T.
Protein change: p.Thr2001Met; replaces threonine 2001 with methionine.
Molecular consequence: missense variant.
Genome position (GRCh38, 1-based): chr11:77,208,754, C>T. VCF-style: chr11-77208754-C-T. GRCh37 (hg19) VCF-style: chr11-76919799-C-T.
Other names: c.5888C>T, p.Thr1963Met (NM_001127180.2); c.5855C>T, p.Thr1952Met (NM_001369365.1); short protein forms T2001M, T1952M, T1963M.
Identifiers: ClinVar variation 426485 (VCV000426485.8), dbSNP rs532542968, ClinGen allele CA6198897.